The following is an entry in ClinVar:

ClinVar aggregate classification (germline): Benign. Review status: criteria provided, multiple submitters, no conflicts (2 of 4 stars). 2 submissions from 2 submitters: Benign (2). Last evaluated 2018-01-13.

Conditions:
Polydactyly of a triphalangeal thumb. Also called: POLYDACTYLY OF TRIPHALANGEAL THUMB; TRIPHALANGEAL THUMB-POLYDACTYLY SYNDROME; Polydactyly, preaxial type II. Identifiers: Orphanet 2439, Orphanet 2950, Orphanet 93336, MedGen C1868114, MONDO:0008270, OMIM 174500.

Allele frequency attached by ClinVar (database versions not stated): 1000 Genomes Project 0.01897; TOPMed 0.02702; gnomAD 0.03709; 1000 Genomes Project 30x 0.01968.

Submissions (2):

Illumina Laboratory Services, Illumina
Classification: Benign for Polydactyly of a triphalangeal thumb. Last evaluated: 2018-01-13. Review status: criteria provided, single submitter. Criteria: ICSL Variant Classification Criteria 13 December 2019. Collection method: clinical testing. Allele origin: germline.
Comment: This variant was observed in the ICSL laboratory as part of a predisposition screen in an ostensibly healthy population. It had not been previously curated by ICSL or reported in the Human Gene Mutation Database (HGMD: prior to June 1st, 2018), and was therefore a candidate for classification through an automated scoring system. Utilizing variant allele frequency, disease prevalence and penetrance estimates, and inheritance mode, an automated score was calculated to assess if this variant is too frequent to cause the disease. Based on the score and internal cut-off values, a variant classified as benign is not then subjected to further curation. The score for this variant resulted in a classification of benign for this disease.

Breakthrough Genomics
Classification: Benign. Review status: criteria provided, single submitter. Criteria: ACMG Guidelines, 2015. Collection method: not provided. Allele origin: germline. Inheritance: Autosomal recessive inheritance. Affected: yes.

NM_022458.4(LMBR1):c.*1971A>T

Gene: LMBR1 (limb development membrane protein 1; minus strand). Cytogenetic location: 7q36.3.
Variant type: single nucleotide variant.
Coding change: c.*1971A>T on transcript NM_022458.4 (MANE Select); 1971 bases downstream of the stop codon, A replaced by T.
Molecular consequence: 3 prime UTR variant. On other transcripts: non-coding transcript variant (2).
Genome position (GRCh38, 1-based): chr7:156,682,107, T>A on the plus strand (A>T on the coding strand, the complement: LMBR1 is on the minus strand). VCF-style: chr7-156682107-T-A. GRCh37 (hg19) VCF-style: chr7-156474801-T-A.
Other names: c.*1971A>T (NM_001350953.2, NM_001350954.2, NM_001350955.2 and 8 more transcripts).
Identifiers: ClinVar variation 359391 (VCV000359391.6), dbSNP rs12530942, ClinGen allele CA10628536.